The following is an entry in ClinVar:

NM_000052.7(ATP7A):c.1385C>T (p.Pro462Leu)

Gene: ATP7A (ATPase copper transporting alpha; plus strand). Cytogenetic location: Xq21.1.
Variant type: single nucleotide variant.
Coding change: c.1385C>T on transcript NM_000052.7 (MANE Select); coding-DNA position 1385, C replaced by T.
Protein change: p.Pro462Leu; replaces proline 462 with leucine.
Molecular consequence: missense variant.
Genome position (GRCh38, 1-based): chrX:77,998,526, C>T. VCF-style: chrX-77998526-C-T. GRCh37 (hg19) VCF-style: chrX-77254023-C-T.
Other names: c.1385C>T, p.Pro462Leu (NM_001282224.2); short protein forms P462L.
Identifiers: ClinVar variation 533673 (VCV000533673.42), dbSNP rs201999500, ClinGen allele CA10459045.

ClinVar aggregate classification (germline): Conflicting classifications of pathogenicity. Review status: criteria provided, conflicting classifications (1 of 4 stars). 7 submissions from 7 submitters: Uncertain significance (3); Likely benign (4). Last evaluated 2026-09-01.

Conditions:
Inborn genetic diseases. Identifiers: MedGen C0950123, MeSH D030342.
ATP7A-related disorder. Also called: ATP7A-related condition.
Menkes kinky-hair syndrome (MNK). Also called: Menkes Disease; Classic Menkes Disease; Copper transport disease. Identifiers: Orphanet 565, MedGen C0022716, MONDO:0010651, OMIM 309400.
Cutis laxa, X-linked (OHS). Also called: EDS IX; Occipital horn syndrome. Identifiers: Orphanet 198, MedGen C0268353, MONDO:0010572, OMIM 304150.
X-linked distal spinal muscular atrophy type 3. Also called: NEURONOPATHY, DISTAL HEREDITARY MOTOR, X-LINKED; NEUROPATHY, DISTAL HEREDITARY MOTOR, X-LINKED; SPINAL MUSCULAR ATROPHY, DISTAL, X-LINKED RECESSIVE; ATP7A-Related Distal Motor Neuropathy. Identifiers: Orphanet 139557, MedGen C1845359, MONDO:0010338, OMIM 300489.

Allele frequency attached by ClinVar (database versions not stated): ExAC 0.00003; gnomAD exomes 0.00003 and 0.00007; TOPMed 0.00007; gnomAD 0.00008 and 0.00009; ESP Exome Variant Server 0.00019.
gnomAD v4.1: 89 of 1,210,000 alleles (0.0074%); highest among the groups gnomAD compares: Non-Finnish European, 0.0092%; no homozygotes.

Submissions (7):

CeGaT Center for Human Genetics Tuebingen
Classification: Likely benign. Last evaluated: 2026-09-01. Review status: criteria provided, single submitter. Criteria: CeGaT Center For Human Genetics Tuebingen Variant Classification Criteria Version 2. Collection method: clinical testing. Allele origin: germline. Affected: yes. Observed: 2 variant alleles.
Comment: ATP7A: BS2

PreventionGenetics, part of Exact Sciences
Classification: Likely benign for ATP7A-related condition. Last evaluated: 2026-05-05. Review status: criteria provided, single submitter. Criteria: ACMG Guidelines, 2015. Collection method: clinical testing. Allele origin: germline.
Comment: This variant is classified as likely benign based on ACMG/AMP sequence variant interpretation guidelines (Richards et al. 2015 PMID: 25741868, with internal and published modifications).

Labcorp Genetics (formerly Invitae), Labcorp
Classification: Likely benign for X-linked distal spinal muscular atrophy type 3; Cutis laxa, X-linked; Menkes kinky-hair syndrome. Last evaluated: 2026-01-30. Review status: criteria provided, single submitter. Criteria: Invitae Variant Classification Sherloc (09022015). Collection method: clinical testing. Allele origin: germline.

Blueprint Genetics
Classification: Likely benign. Last evaluated: 2023-12-07. Review status: criteria provided, single submitter. Criteria: ACMG Guidelines, 2015. Collection method: clinical testing. Allele origin: germline.

GeneDx
Classification: Uncertain significance. Last evaluated: 2022-03-15. Review status: criteria provided, single submitter. Criteria: GeneDx Variant Classification Process June 2021. Collection method: clinical testing. Allele origin: germline. Affected: yes.
Comment: In silico analysis supports that this missense variant does not alter protein structure/function; Reported in ClinVar as a variant of uncertain significance (ClinVar Variant ID# 533673; ClinVar); Has not been previously published as pathogenic or benign to our knowledge

Ambry Genetics
Classification: Uncertain significance for Inborn genetic diseases. Last evaluated: 2022-01-13. Review status: criteria provided, single submitter. Criteria: Ambry Variant Classification Scheme 2023. Collection method: clinical testing. Allele origin: germline.
Comment: The p.P462L variant (also known as c.1385C>T), located in coding exon 4 of the ATP7A gene, results from a C to T substitution at nucleotide position 1385. The proline at codon 462 is replaced by leucine, an amino acid with similar properties. This amino acid position is not well conserved in available vertebrate species, and leucine is the reference amino acid in other vertebrate species. In addition, this alteration is predicted to be tolerated by in silico analysis. Since supporting evidence is limited at this time, the clinical significance of this alteration remains unclear.

Mayo Clinic Laboratories, Mayo Clinic
Classification: Uncertain significance. Last evaluated: 2020-06-12. Review status: criteria provided, single submitter. Criteria: ACMG Guidelines, 2015. Collection method: clinical testing. Allele origin: germline. Observed: 1 variant allele.